The following is an entry in ClinVar:

ClinVar aggregate classification (germline): Uncertain significance (1 of 4 stars; one submission).

Conditions:
NRP2-related disorder. Also called: NRP2-related condition.

gnomAD v4.1: 14 of 1,614,154 alleles (0.00087%); highest among the groups gnomAD compares: Admixed American, 0.005%; no homozygotes.

Submission:

PreventionGenetics, part of Exact Sciences
Classification: Uncertain significance for NRP2-related condition. Last evaluated: 2025-02-20. Review status: criteria provided, single submitter. Criteria: ACMG Guidelines, 2015. Collection method: clinical testing. Allele origin: germline.
Comment: The NRP2 c.1382G>T variant is predicted to result in the amino acid substitution p.Ser461Ile. To our knowledge, this variant has not been reported in the literature. This variant is reported in 0.014% of alleles in individuals of Latino descent in gnomAD. At this time, the clinical significance of this variant is uncertain due to the absence of conclusive functional and genetic evidence.

NM_003872.3(NRP2):c.1382G>T (p.Ser461Ile)

Gene: NRP2 (neuropilin 2; plus strand). Cytogenetic location: 2q33.3.
Variant type: single nucleotide variant.
Coding change: c.1382G>T on transcript NM_003872.3 (MANE Select); coding-DNA position 1382, G replaced by T.
Protein change: p.Ser461Ile; replaces serine 461 with isoleucine.
Molecular consequence: missense variant.
Genome position (GRCh38, 1-based): chr2:205,743,293, G>T. VCF-style: chr2-205743293-G-T. GRCh37 (hg19) VCF-style: chr2-206608017-G-T.
Other names: c.1382G>T, p.Ser461Ile (NM_018534.4, NM_201264.2, NM_201266.2 and 2 more transcripts); short protein forms S461I.
Identifiers: ClinVar variation 4977965 (VCV004977965.1).